The following is an entry in ClinVar:

NM_000540.3(RYR1):c.6469G>A (p.Glu2157Lys)

Gene: RYR1 (ryanodine receptor 1; plus strand). Cytogenetic location: 19q13.2.
Variant type: single nucleotide variant.
Coding change: c.6469G>A on transcript NM_000540.3 (MANE Select); coding-DNA position 6469, G replaced by A.
Protein change: p.Glu2157Lys; replaces glutamic acid 2157 with lysine.
Molecular consequence: missense variant.
Genome position (GRCh38, 1-based): chr19:38,494,546, G>A. VCF-style: chr19-38494546-G-A. GRCh37 (hg19) VCF-style: chr19-38985186-G-A.
Other names: c.6469G>A, p.Glu2157Lys (NM_001042723.2); short protein forms E2157K.
Identifiers: ClinVar variation 478257 (VCV000478257.51), dbSNP rs554066182, ClinGen allele CA068284.

ClinVar aggregate classification (germline): Uncertain significance. Review status: criteria provided, multiple submitters, no conflicts (2 of 4 stars). 4 submissions from 4 submitters: Uncertain significance (4). Last evaluated 2024-12-23.

Conditions:
RYR1-related disorder. Also called: RYR1-related disorders; RYR1-related condition. Identifiers: MedGen CN239331.
Congenital myopathy with fiber type disproportion. Also called: Congenital fiber-type disproportion myopathy; Congenital fiber-type disproportion. Identifiers: Orphanet 2020, MedGen C0546264, MONDO:0009711. Inheritance: all.
Central core myopathy (CMYO1A). Also called: CONGENITAL MYOPATHY 1A, AUTOSOMAL DOMINANT, WITH SUSCEPTIBILITY TO MALIGNANT HYPERTHERMIA; Central core disease; Myopathy, central fibrillar. Identifiers: Orphanet 597, MedGen C5830701, MONDO:0007294, OMIM 117000.
King Denborough syndrome (KDS). Identifiers: MedGen C1840365, MONDO:0020485, OMIM 619542.
Congenital multicore myopathy with external ophthalmoplegia (CMYO1B). Also called: Minicore myopathy with external ophthalmoplegia; Congenital myopathy 1B, autosomal recessive; Minicore myopathy; MULTICORE MYOPATHY; MULTIMINICORE DISEASE WITH EXTERNAL OPHTHALMOPLEGIA. Identifiers: Orphanet 598, Orphanet 98905, MedGen C1850674, MONDO:0009712, OMIM 255320, HP:0003789.
Malignant hyperthermia, susceptibility to, 1 (MHS1). Also called: Malignant hyperthermia suceptibility 1; Anesthesia related hyperthermia; Malignant hyperpyrexia; Fulminating hyperpyrexia; Pharmacogenic myopathy; RYR1-Related Malignant Hyperthermia Susceptibility. Identifiers: Orphanet 423, MedGen C2930980, MONDO:0007783, OMIM 145600.

Allele frequency attached by ClinVar (database versions not stated): gnomAD exomes 0.00001 and 0.00002; ExAC 0.00002; 1000 Genomes Project 30x 0.00016; 1000 Genomes Project 0.00020.
gnomAD v4.1: 28 of 1,614,062 alleles (0.0017%); highest among the groups gnomAD compares: African/African-American, 0.008%; no homozygotes.

Submissions (4):

Labcorp Genetics (formerly Invitae), Labcorp
Classification: Uncertain significance for RYR1-related disorder. Last evaluated: 2024-12-23. Review status: criteria provided, single submitter. Criteria: Invitae Variant Classification Sherloc (09022015). Collection method: clinical testing. Allele origin: germline.
Comment: This sequence change replaces glutamic acid, which is acidic and polar, with lysine, which is basic and polar, at codon 2157 of the RYR1 protein (p.Glu2157Lys). This variant is present in population databases (rs554066182, gnomAD 0.02%). This missense change has been observed in individual(s) with congenital myopathy (PMID: 25214167). ClinVar contains an entry for this variant (Variation ID: 478257). Invitae Evidence Modeling of protein sequence and biophysical properties (such as structural, functional, and spatial information, amino acid conservation, physicochemical variation, residue mobility, and thermodynamic stability) indicates that this missense variant is not expected to disrupt RYR1 protein function with a negative predictive value of 80%. In summary, the available evidence is currently insufficient to determine the role of this variant in disease. Therefore, it has been classified as a Variant of Uncertain Significance.

All of Us Research Program, National Institutes of Health
Classification: Uncertain significance for Malignant hyperthermia, susceptibility to, 1. Last evaluated: 2023-12-18. Review status: criteria provided, single submitter. Criteria: ACMG Guidelines, 2015. Collection method: clinical testing. Allele origin: germline. Inheritance: Autosomal dominant inheritance. Observed: 5 variant alleles, 5 heterozygotes.
Comment: This missense variant replaces glutamic acid with lysine at codon 2157 of the RYR1 protein. Computational prediction is inconclusive regarding the impact of this variant on protein structure and function (internally defined REVEL score threshold 0.6 < inconclusive < 0.85, PMID: 27666373). To our knowledge, functional studies have not been reported for this variant. This variant has not been reported in individuals affected with autosomal dominant malignant hyperthermia in the literature, although it has been reported in other phenotype(s) (PMID: 25214167). This variant has been identified in 4/250590 chromosomes in the general population by the Genome Aggregation Database (gnomAD). Due to insufficient evidence, this variant is classified as a Variant of Uncertain Significance for autosomal dominant malignant hyperthermia.

This study involves interpretation of variants in research participants for the purpose of population health screening. Participant phenotype was not available at the time of variant classification. Additional details can be found in publication PMID: 35346344, PMCID: PMC8962531

Fulgent Genetics
Classification: Uncertain significance for Central core myopathy; Malignant hyperthermia, susceptibility to, 1; Congenital myopathy 4A, autosomal dominant; Congenital multicore myopathy with external ophthalmoplegia; King Denborough syndrome. Last evaluated: 2021-08-18. Review status: criteria provided, single submitter. Criteria: ACMG Guidelines, 2015. Collection method: clinical testing. Allele origin: unknown.

CeGaT Center for Human Genetics Tuebingen
Classification: Uncertain significance. Last evaluated: 2016-10-01. Review status: criteria provided, single submitter. Criteria: CeGaT Center For Human Genetics Tuebingen Variant Classification Criteria Version 2. Collection method: clinical testing. Allele origin: germline. Affected: yes. Observed: 1 variant allele.

Literature cited by the submitters: PubMed 25214167 (cited by Labcorp Genetics (formerly Invitae), Labcorp and All of Us Research Program, National Institutes of Health).